The following is an entry in ClinVar:

ClinVar aggregate classification (germline): Likely benign (1 of 4 stars; one submission).

Submission:

GeneDx
Classification: Likely benign. Last evaluated: 2016-02-04. Review status: criteria provided, single submitter. Criteria: GeneDx Variant Classification (06012015). Collection method: clinical testing. Allele origin: germline. Affected: yes.
Comment: This variant is considered likely benign or benign based on one or more of the following criteria: it is a conservative change, it occurs at a poorly conserved position in the protein, it is predicted to be benign by multiple in silico algorithms, and/or has population frequency not consistent with disease.

NM_020822.3(KCNT1):c.1402-12C>T

Gene: KCNT1 (potassium sodium-activated channel subfamily T member 1; plus strand). Cytogenetic location: 9q34.3.
Variant type: single nucleotide variant.
Coding change: c.1402-12C>T on transcript NM_020822.3 (MANE Select); 12 bases into the intron before coding-DNA position 1402, C replaced by T.
Molecular consequence: intron variant.
Genome position (GRCh38, 1-based): chr9:135,768,817, C>T. VCF-style: chr9-135768817-C-T. GRCh37 (hg19) VCF-style: chr9-138660663-C-T.
Other names: c.1267-12C>T (NM_001272003.2).
Identifiers: ClinVar variation 383334 (VCV000383334.1), dbSNP rs1057521588, ClinGen allele CA16606392.
Genomic context (GRCh38, chr9:135,768,817, plus strand): 5'-CAGGCTGCCGGTGCCGCCCAGCAGCCCACAGAGGCCAGCCCGTCTGCACTGACCAACCAC[C>T]CACCCCGCCAGGACCACCAGACCATCCTGCGCGCCTGGGCCGTGAAGGACTTCGCCCCCA-3'